The following is an entry in ClinVar:

ClinVar aggregate classification (germline): Uncertain significance. Review status: criteria provided, multiple submitters, no conflicts (2 of 4 stars). 3 submissions from 3 submitters: Uncertain significance (3). Last evaluated 2024-12-10.

Conditions:
Autosomal recessive nonsyndromic hearing loss 3. Also called: NEUROSENSORY NONSYNDROMIC RECESSIVE DEAFNESS 3. Identifiers: Orphanet 90636, MedGen C1838263, MONDO:0010860, OMIM 600316.

Allele frequency attached by ClinVar (database versions not stated): ExAC 0.00004; 1000 Genomes Project 30x 0.00016.
gnomAD v4.1: 41 of 1,607,724 alleles (0.0026%); highest among the groups gnomAD compares: East Asian, 0.013%; no homozygotes.

Submissions (3):

GeneDx
Classification: Uncertain significance. Last evaluated: 2024-12-10. Review status: criteria provided, single submitter. Criteria: GeneDx Variant Classification Process June 2021. Collection method: clinical testing. Allele origin: germline. Affected: yes.
Comment: Reported in the heterozygous state in patient with nonsyndromic hearing loss in published literature (PMID: 30953472); In silico analysis indicates that this missense variant does not alter protein structure/function; This variant is associated with the following publications: (PMID: 34426522, 30953472)

Labcorp Genetics (formerly Invitae), Labcorp
Classification: Uncertain significance. Last evaluated: 2024-10-26. Review status: criteria provided, single submitter. Criteria: Invitae Variant Classification Sherloc (09022015). Collection method: clinical testing. Allele origin: germline.
Comment: This sequence change replaces arginine, which is basic and polar, with histidine, which is basic and polar, at codon 2924 of the MYO15A protein (p.Arg2924His). The frequency data for this variant in the population databases is considered unreliable, as metrics indicate poor data quality at this position in the gnomAD database. This missense change has been observed in individual(s) with deafness (PMID: 30953472). ClinVar contains an entry for this variant (Variation ID: 2169588). Invitae Evidence Modeling of protein sequence and biophysical properties (such as structural, functional, and spatial information, amino acid conservation, physicochemical variation, residue mobility, and thermodynamic stability) indicates that this missense variant is not expected to disrupt MYO15A protein function with a negative predictive value of 95%. In summary, the available evidence is currently insufficient to determine the role of this variant in disease. Therefore, it has been classified as a Variant of Uncertain Significance.

Revvity Omics, Revvity
Classification: Uncertain significance for Autosomal recessive nonsyndromic hearing loss 3. Last evaluated: 2021-10-27. Review status: criteria provided, single submitter. Criteria: ACMG Guidelines, 2015. Collection method: clinical testing. Allele origin: germline.

Literature cited by the submitters: PubMed 30953472 (cited by Labcorp Genetics (formerly Invitae), Labcorp).

NM_016239.4(MYO15A):c.8771G>A (p.Arg2924His)

Gene: MYO15A (myosin XVA; plus strand). Cytogenetic location: 17p11.2.
Variant type: single nucleotide variant.
Coding change: c.8771G>A on transcript NM_016239.4 (MANE Select); coding-DNA position 8771, G replaced by A.
Protein change: p.Arg2924His; replaces arginine 2924 with histidine.
Molecular consequence: missense variant.
Genome position (GRCh38, 1-based): chr17:18,157,213, G>A. VCF-style: chr17-18157213-G-A. GRCh37 (hg19) VCF-style: chr17-18060527-G-A.
Other names: c.8771G>A (NM_016239.3); short protein forms R2924H.
Identifiers: ClinVar variation 2169588 (VCV002169588.6), dbSNP rs754049993, ClinGen allele CA8425255.